The following is an entry in ClinVar:

NM_198239.2(CCN6):c.179G>A (p.Arg60His)

Gene: CCN6 (cellular communication network factor 6; plus strand). Cytogenetic location: 6q21.
Variant type: single nucleotide variant.
Coding change: c.179G>A on transcript NM_198239.2 (MANE Select); coding-DNA position 179, G replaced by A.
Protein change: p.Arg60His; replaces arginine 60 with histidine.
Molecular consequence: missense variant. On other transcripts: non-coding transcript variant (2).
Genome position (GRCh38, 1-based): chr6:112,061,121, G>A. VCF-style: chr6-112061121-G-A. GRCh37 (hg19) VCF-style: chr6-112382324-G-A.
Other names: c.179G>A, p.Arg60His (NM_003880.4); c.179G>A (NM_003880.3); short protein forms R60H.
Identifiers: ClinVar variation 1680458 (VCV001680458.4), dbSNP rs141505678, ClinGen allele CA3963926.
Genomic context (GRCh38, chr6:112,061,121, plus strand): 5'-ATGCACCTCAGCGTAAACAGTTTTGTCACTGGCCCTGCAAATGCCCTCAGCAGAAGCCCC[G>A]TTGCCCTCCTGGAGTGAGCCTGGTGAGAGATGGCTGTGGATGCTGTAAAATCTGTGCCAA-3'
Protein context (NP_937882.2, residues 50-70): WPCKCPQQKP[Arg60His]CPPGVSLVRD

ClinVar aggregate classification (germline): Conflicting classifications of pathogenicity. Review status: criteria provided, conflicting classifications (1 of 4 stars). 2 submissions from 2 submitters: Uncertain significance (1); Likely benign (1). Last evaluated 2023-12-21.

Conditions:
Inborn genetic diseases. Identifiers: MedGen C0950123, MeSH D030342.

Allele frequency attached by ClinVar (database versions not stated): gnomAD 0.00011; 1000 Genomes Project 0.00020; ESP Exome Variant Server 0.00023; 1000 Genomes Project 30x 0.00031; TOPMed 0.00011.
gnomAD v4.1: 53 of 1,614,140 alleles (0.0033%); highest among the groups gnomAD compares: African/African-American, 0.039%; no homozygotes.

Submissions (2):

Ambry Genetics
Classification: Likely benign for Inborn genetic diseases. Last evaluated: 2023-12-21. Review status: criteria provided, single submitter. Criteria: Ambry Variant Classification Scheme 2023. Collection method: clinical testing. Allele origin: germline.

Labcorp Genetics (formerly Invitae), Labcorp
Classification: Uncertain significance. Last evaluated: 2022-07-25. Review status: criteria provided, single submitter. Criteria: Invitae Variant Classification Sherloc (09022015). Collection method: clinical testing. Allele origin: germline.
Comment: This sequence change replaces arginine, which is basic and polar, with histidine, which is basic and polar, at codon 60 of the WISP3 protein (p.Arg60His). This variant is present in population databases (rs141505678, gnomAD 0.03%). This variant has not been reported in the literature in individuals affected with WISP3-related conditions. ClinVar contains an entry for this variant (Variation ID: 1680458). Algorithms developed to predict the effect of missense changes on protein structure and function output the following: SIFT: "Tolerated"; PolyPhen-2: "Benign"; Align-GVGD: "Class C0". The histidine amino acid residue is found in multiple mammalian species, which suggests that this missense change does not adversely affect protein function. In summary, the available evidence is currently insufficient to determine the role of this variant in disease. Therefore, it has been classified as a Variant of Uncertain Significance.